The following is an entry in ClinVar:

ClinVar aggregate classification (germline): Pathogenic/Likely pathogenic. Review status: criteria provided, multiple submitters, no conflicts (2 of 4 stars). 4 submissions from 4 submitters: Pathogenic (1); Likely pathogenic (2). 1 of the submissions does not count toward it. Last evaluated 2025-05-07.

Conditions:
CNGB1-related disorder. Also called: CNGB1-related condition.
Retinitis pigmentosa 45 (RP45). Identifiers: Orphanet 791, MedGen C3151066, MONDO:0013413, OMIM 613767.
Retinal dystrophy. Also called: Inherited retinal dystrophy. Identifiers: Orphanet 71862, MedGen C0854723, MeSH D058499, MONDO:0019118, HP:0000556.

Submissions (4):

First Genomix Gene Laboratory, Genetic Diagnostics Department
Classification: Likely pathogenic for Retinitis pigmentosa 45. Last evaluated: 2025-05-07. Review status: criteria provided, single submitter. Criteria: ACMG Guidelines, 2015. Collection method: clinical testing. Allele origin: germline. Inheritance: Autosomal recessive inheritance. Affected: no. Observed: 1 variant allele.

Labcorp Genetics (formerly Invitae), Labcorp
Classification: Pathogenic. Last evaluated: 2022-02-05. Review status: criteria provided, single submitter. Criteria: Invitae Variant Classification Sherloc (09022015). Collection method: clinical testing. Allele origin: germline.
Comment: For these reasons, this variant has been classified as Pathogenic. ClinVar contains an entry for this variant (Variation ID: 1074017). This variant has not been reported in the literature in individuals affected with CNGB1-related conditions. This variant is not present in population databases (gnomAD no frequency). This sequence change creates a premature translational stop signal (p.Ala562Profs*11) in the CNGB1 gene. It is expected to result in an absent or disrupted protein product. Loss-of-function variants in CNGB1 are known to be pathogenic (PMID: 15557452, 24043777).

Blueprint Genetics
Classification: Likely pathogenic for CNGB1-related disorders. Last evaluated: 2018-07-21. Review status: criteria provided, single submitter. Criteria: ACMG Guidelines, 2015. Collection method: clinical testing. Allele origin: germline. Affected: yes. Observed: 1 variant allele.

Institute of Human Genetics, Univ. Regensburg, Univ. Regensburg
Classification: Pathogenic for Retinal dystrophy. Last evaluated: 2023-01-01. Review status: no assertion criteria provided. Criteria: ACMG Guidelines, 2015. Collection method: clinical testing. Allele origin: germline. Affected: yes. Not counted in ClinVar's aggregate classification.

Literature cited by the submitters: PubMed 15557452 (cited by Labcorp Genetics (formerly Invitae), Labcorp); PubMed 24043777 (cited by Labcorp Genetics (formerly Invitae), Labcorp).

NM_001297.5(CNGB1):c.1684del (p.Ala562fs)

Gene: CNGB1 (cyclic nucleotide gated channel subunit beta 1; minus strand). Cytogenetic location: 16q21.
Variant type: Deletion.
Coding change: c.1684del on transcript NM_001297.5 (MANE Select); coding-DNA position 1684, one base deleted (G; older notation c.1684delG).
Protein change: p.Ala562fs; shifts the reading frame from alanine 562.
Molecular consequence: frameshift variant.
Genome position (GRCh38, 1-based): chr16:57,920,504, C deleted on the plus strand (G on the coding strand, the reverse complement: CNGB1 is on the minus strand). VCF-style (leftmost placement, unchanged base first): chr16-57920503-GC-G. GRCh37 (hg19) VCF-style: chr16-57954407-GC-G.
Other names: c.1684delG (NM_001297.5); c.1666del, p.Ala556fs (NM_001286130.2); short protein forms A556fs, A562fs.
Identifiers: ClinVar variation 1074017 (VCV001074017.11), dbSNP rs2149366536, ClinGen allele CA2499223623.